The following is an entry in ClinVar:

NM_030940.4(ISCA1):c.91G>A (p.Ala31Thr)

Gene: ISCA1 (iron-sulfur cluster assembly 1; minus strand). Cytogenetic location: 9q21.33.
Variant type: single nucleotide variant.
Coding change: c.91G>A on transcript NM_030940.4 (MANE Select); coding-DNA position 91, G replaced by A.
Protein change: p.Ala31Thr; replaces alanine 31 with threonine.
Molecular consequence: missense variant.
Genome position (GRCh38, 1-based): chr9:86,274,233, C>T on the plus strand (G>A on the coding strand, the complement: ISCA1 is on the minus strand). VCF-style: chr9-86274233-C-T. GRCh37 (hg19) VCF-style: chr9-88889148-C-T.
Other names: short protein forms A31T.
Identifiers: ClinVar variation 1715955 (VCV001715955.5), dbSNP rs2489642484, ClinGen allele CA373947738.
Genomic context (GRCh38, chr9:86,274,233, plus strand): 5'-AACTGGTTTTACTTACATGCTCAGGCTTATCTTTAAGAAGTTGTTTTATCTTGTTTACTG[C>T]TGAAGGTGTCTGAAAAAAGAAAATGATGTTTTTAGCTACAAAACTTGTTATTCAAAGCCT-3'
Protein context (NP_112202.2, residues 21-41): TRAALTLTPS[Ala31Thr]VNKIKQLLKD

ClinVar aggregate classification (germline): Uncertain significance (1 of 4 stars; one submission).

Submission:

Labcorp Genetics (formerly Invitae), Labcorp
Classification: Uncertain significance. Last evaluated: 2024-10-16. Review status: criteria provided, single submitter. Criteria: Invitae Variant Classification Sherloc (09022015). Collection method: clinical testing. Allele origin: germline.
Comment: This sequence change replaces alanine, which is neutral and non-polar, with threonine, which is neutral and polar, at codon 31 of the ISCA1 protein (p.Ala31Thr). This variant is not present in population databases (gnomAD no frequency). This variant has not been reported in the literature in individuals affected with ISCA1-related conditions. ClinVar contains an entry for this variant (Variation ID: 1715955). An algorithm developed to predict the effect of missense changes on protein structure and function (PolyPhen-2) suggests that this variant is likely to be disruptive. In summary, the available evidence is currently insufficient to determine the role of this variant in disease. Therefore, it has been classified as a Variant of Uncertain Significance.